The following is an entry in ClinVar:

ClinVar aggregate classification (germline): Pathogenic. Review status: reviewed by expert panel (3 of 4 stars). 5 submissions from 5 submitters: Pathogenic (1). 4 of the submissions do not count toward it. Last evaluated 2016-10-18.

Conditions:
Hereditary cancer-predisposing syndrome. Also called: Hereditary Cancer Syndrome; Hereditary neoplastic syndrome; Neoplastic Syndromes, Hereditary; Tumor predisposition. Identifiers: Orphanet 140162, MedGen C0027672, MeSH D009386, MONDO:0015356.
Breast-ovarian cancer, familial, susceptibility to, 1 (BROVCA1). Also called: BRCA1 Hereditary Breast and Ovarian Cancer; OVARIAN CANCER, SUSCEPTIBILITY TO. Identifiers: Orphanet 145, MedGen C2676676, MONDO:0011450, OMIM 604370. Disease mechanism: loss of function.

Submissions (5):

Evidence-based Network for the Interpretation of Germline Mutant Alleles (ENIGMA)
Classification: Pathogenic for Breast-ovarian cancer, familial, susceptibility to, 1. Last evaluated: 2016-10-18. Review status: reviewed by expert panel. Criteria: ENIGMA BRCA1/2 Classification Criteria (2015). Collection method: curation. Allele origin: germline.
Comment: Variant allele predicted to encode a truncated non-functional protein.

Ambry Genetics
Classification: Pathogenic for Hereditary cancer-predisposing syndrome. Last evaluated: 2025-06-16. Review status: criteria provided, single submitter. Criteria: Ambry Variant Classification Scheme 2023. Collection method: clinical testing. Allele origin: germline. Not counted in ClinVar's aggregate classification.
Comment: The p.E1185* pathogenic mutation (also known as c.3553G>T), located in coding exon 9 of the BRCA1 gene, results from a G to T substitution at nucleotide position 3553. This changes the amino acid from a glutamic acid to a stop codon within coding exon 9. This variant was reported in individual(s) with features consistent with BRCA1-related cancer predisposition (Valarmathi MT et al. Hum Mutat, 2004 Feb;23:205). This variant is considered to be rare based on population cohorts in the Genome Aggregation Database (gnomAD). This alteration is expected to result in loss of function by premature protein truncation or nonsense-mediated mRNA decay. As such, this alteration is interpreted as a disease-causing mutation.

GeneDx
Classification: Pathogenic. Last evaluated: 2024-05-24. Review status: criteria provided, single submitter. Criteria: GeneDx Variant Classification Process June 2021. Collection method: clinical testing. Allele origin: germline. Affected: yes. Not counted in ClinVar's aggregate classification.
Comment: Nonsense variant predicted to result in protein truncation or nonsense mediated decay in a gene for which loss of function is a known mechanism of disease; Observed in individuals with a personal or family history consistent with pathogenic variants in this gene (PMID: 14722926); Not observed at significant frequency in large population cohorts (gnomAD); Truncating variants in this gene are considered pathogenic by a well-established clinical consortium and/or database; Also known as 3672G>T; This variant is associated with the following publications: (PMID: 25525159, 29446198, 14722926)

GeneKor MSA
Classification: Pathogenic. Last evaluated: 2020-01-01. Review status: criteria provided, single submitter. Criteria: ACMG Guidelines, 2015. Collection method: clinical testing. Allele origin: germline. Not counted in ClinVar's aggregate classification.
Comment: This is a single base substitution, replacing the Glutamic acid at position 1185 of the BRCA1 protein by a Termination codon. It is expected to result in an absent or disrupted protein product. Truncating mutations in the BRCA1 gene are known to be pathogenic.

Consortium of Investigators of Modifiers of BRCA1/2 (CIMBA), c/o University of Cambridge
Classification: Pathogenic for Breast-ovarian cancer, familial, susceptibility to, 1. Last evaluated: 2015-10-02. Review status: criteria provided, single submitter. Criteria: CIMBA Mutation Classification guidelines May 2016. Collection method: clinical testing. Allele origin: germline. Not counted in ClinVar's aggregate classification.

Literature cited by the submitters: PubMed 14722926 (cited by Ambry Genetics).

NM_007294.4(BRCA1):c.3553G>T (p.Glu1185Ter)

Genes: BRCA1 (BRCA1 DNA repair associated; minus strand), LOC126862571 (BRD4-independent group 4 enhancer GRCh37_chr17:41243136-41244335; plus strand). Cytogenetic location: 17q21.31.
Variant type: single nucleotide variant.
Coding change: c.3553G>T on transcript NM_007294.4 (MANE Select); coding-DNA position 3553, G replaced by T.
Protein change: p.Glu1185Ter; replaces glutamic acid 1185 with a stop codon.
Molecular consequence: nonsense. On other transcripts: intron variant (135).
Genome position (GRCh38, 1-based): chr17:43,091,978, C>A on the plus strand (G>T on the coding strand, the complement: BRCA1 is on the minus strand). VCF-style: chr17-43091978-C-A. GRCh37 (hg19) VCF-style: chr17-41243995-C-A.
Other names: 3672G>T; c.3553G>T, p.Glu1185Ter (NM_001407854.1, NM_001407858.1, NM_001407859.1 and 30 more transcripts); c.3550G>T, p.Glu1184Ter (NM_001407860.1, NM_001407861.1, NM_001407610.1 and 22 more transcripts); c.3352G>T, p.Glu1118Ter (NM_001407862.1); c.3430G>T, p.Glu1144Ter (NM_001407863.1, NM_001407919.1, NM_001407937.1 and 19 more transcripts); c.3349G>T, p.Glu1117Ter (NM_001407874.1, NM_001407875.1); c.3343G>T, p.Glu1115Ter (NM_001407879.1, NM_001407881.1, NM_001407882.1 and 13 more transcripts); c.3340G>T, p.Glu1114Ter (NM_001407894.1, NM_001407895.1, NM_001407896.1 and 9 more transcripts); and 42 more; short protein forms E1185*, E1138*, E1017*, E1096*, E1097*, E1114*, E1117*, E1118*.
Identifiers: ClinVar variation 54916 (VCV000054916.10), dbSNP rs397509081, ClinGen allele CA002272.
Genomic context (GRCh38, chr17:43,091,978, plus strand): 5'-CTCTTCGGTAACCCTGAGCCAAATGTGTATGGGTGAAAGGGCTAGGACTCCTGCTAAGCT[C>A]TCCTTTCTGGACGCTTTTGCTAAAAACAGCAGAACTTTCCTTAATGTCATTTTCAGCAAA-3'